The following is an entry in ClinVar:

NM_178014.4(TUBB):c.562_563del (p.Ser188fs)

Gene: TUBB (tubulin beta class I; plus strand). Cytogenetic location: 6p21.33.
Variant type: Microsatellite.
Coding change: c.562_563del on transcript NM_178014.4 (MANE Select); coding-DNA positions 562 to 563, 2 bases deleted (TC; older notation c.562_563delTC).
Protein change: p.Ser188fs; shifts the reading frame from serine 188.
Molecular consequence: frameshift variant. On other transcripts: intron variant (1).
Genome position (GRCh38, 1-based): chr6:30,723,624-30,723,625, TC deleted; deleting any 2 consecutive bases within chr6:30,723,621-30,723,625 gives the same sequence; the c. name uses the placement nearest the transcript's 3' end. VCF-style (leftmost placement, unchanged base first): chr6-30723620-CCT-C. GRCh37 (hg19) VCF-style: chr6-30691397-CCT-C.
Other names: c.622_623del, p.Ser208fs (NM_001293212.2); c.430_431del, p.Ser144fs (NM_001293214.2); c.346_347del, p.Ser116fs (NM_001293215.2, NM_001293216.2); c.369+193_369+194del (NM_001293213.2); short protein forms S116fs, S144fs, S188fs, S208fs.
Identifiers: ClinVar variation 5037399 (VCV005037399.1).

ClinVar aggregate classification (germline): Uncertain significance (1 of 4 stars; one submission).

Submission:

GeneDx
Classification: Uncertain significance. Last evaluated: 2026-04-22. Review status: criteria provided, single submitter. Criteria: GeneDx Variant Classification Process June 2021. Collection method: clinical testing. Allele origin: germline.
Comment: Not observed at significant frequency in large population cohorts (gnomAD); Has not been previously published as pathogenic or benign to our knowledge; Frameshift variant predicted to result in abnormal protein length as the last 257 amino acids are replaced with 8 different amino acids with an unclear effect on protein function